The following is an entry in ClinVar:

ClinVar aggregate classification (germline): Uncertain significance. Review status: criteria provided, multiple submitters, no conflicts (2 of 4 stars). 3 submissions from 3 submitters: Uncertain significance (3). Last evaluated 2025-06-03.

Conditions:
Inborn genetic diseases. Identifiers: MedGen C0950123, MeSH D030342.

Allele frequency attached by ClinVar (database versions not stated): ESP Exome Variant Server 0.00008; gnomAD exomes 0.00002; ExAC 0.00003; gnomAD 0.00003.
gnomAD v4.1: 30 of 1,613,424 alleles (0.0019%); highest among the groups gnomAD compares: Middle Eastern, 0.016%; no homozygotes.

Submissions (3):

Labcorp Genetics (formerly Invitae), Labcorp
Classification: Uncertain significance. Last evaluated: 2025-06-03. Review status: criteria provided, single submitter. Criteria: Invitae Variant Classification Sherloc (09022015). Collection method: clinical testing. Allele origin: germline.
Comment: This sequence change replaces arginine, which is basic and polar, with cysteine, which is neutral and slightly polar, at codon 2228 of the HERC1 protein (p.Arg2228Cys). This variant is present in population databases (rs369912556, gnomAD 0.01%). This variant has not been reported in the literature in individuals affected with HERC1-related conditions. ClinVar contains an entry for this variant (Variation ID: 1896965). Invitae Evidence Modeling of protein sequence and biophysical properties (such as structural, functional, and spatial information, amino acid conservation, physicochemical variation, residue mobility, and thermodynamic stability) indicates that this missense variant is not expected to disrupt HERC1 protein function with a negative predictive value of 80%. In summary, the available evidence is currently insufficient to determine the role of this variant in disease. Therefore, it has been classified as a Variant of Uncertain Significance.

Ambry Genetics
Classification: Uncertain significance for Inborn genetic diseases. Last evaluated: 2025-05-05. Review status: criteria provided, single submitter. Criteria: Ambry Variant Classification Scheme 2023. Collection method: clinical testing. Allele origin: germline.

GeneDx
Classification: Uncertain significance. Last evaluated: 2022-08-19. Review status: criteria provided, single submitter. Criteria: GeneDx Variant Classification Process June 2021. Collection method: clinical testing. Allele origin: germline. Affected: yes.
Comment: Not observed at significant frequency in large population cohorts (gnomAD); In silico analysis supports that this missense variant has a deleterious effect on protein structure/function; Has not been previously published as pathogenic or benign to our knowledge

NM_003922.4(HERC1):c.6682C>T (p.Arg2228Cys)

Gene: HERC1 (HECT and RLD domain containing E3 ubiquitin protein ligase family member 1; minus strand). Cytogenetic location: 15q22.31.
Variant type: single nucleotide variant.
Coding change: c.6682C>T on transcript NM_003922.4 (MANE Select); coding-DNA position 6682, C replaced by T.
Protein change: p.Arg2228Cys; replaces arginine 2228 with cysteine.
Molecular consequence: missense variant.
Genome position (GRCh38, 1-based): chr15:63,678,233, G>A on the plus strand (C>T on the coding strand, the complement: HERC1 is on the minus strand). VCF-style: chr15-63678233-G-A. GRCh37 (hg19) VCF-style: chr15-63970432-G-A.
Other names: c.6682C>T (NM_003922.3); short protein forms R2228C.
Identifiers: ClinVar variation 1896965 (VCV001896965.5), dbSNP rs369912556, ClinGen allele CA7605292.